The following is an entry in ClinVar:

NM_001382391.1(CSPP1):c.-147C>G

Gene: CSPP1 (centrosome and spindle pole associated protein 1; plus strand). Cytogenetic location: 8q13.1.
Variant type: single nucleotide variant.
Coding change: c.-147C>G on transcript NM_001382391.1 (MANE Select); 147 bases upstream of the start codon, C replaced by G.
Molecular consequence: 5 prime UTR variant. On other transcripts: missense variant (3).
Genome position (GRCh38, 1-based): chr8:67,064,402, C>G. VCF-style: chr8-67064402-C-G. GRCh37 (hg19) VCF-style: chr8-67976637-C-G.
Other names: c.-147C>G (NM_001363131.2, NM_001363132.2, NM_001363133.2); c.4C>G, p.Leu2Val (NM_001364869.1, NM_001364870.1, NM_024790.7); short protein forms L2V.
Identifiers: ClinVar variation 2055903 (VCV002055903.4), dbSNP rs773425466, ClinGen allele CA4770038.
Genomic context (GRCh38, chr8:67,064,402, plus strand): 5'-CGAAGGGCGAGCGGAGGGCTGGGCCTGAGGGGCGGAGCCCCGGCCCGGAGGTCTGTCATG[C>G]TGTTCCCGCTCCAGGTGGCCGCTGTAACCTCTTCGGTCCGCGACGATCCTCTAGAGCACT-3'

ClinVar aggregate classification (germline): Uncertain significance (1 of 4 stars; one submission).

Conditions:
Joubert syndrome 21 (JBTS21). Identifiers: MedGen C3810212, MONDO:0014288, OMIM 615636.

Allele frequency attached by ClinVar (database versions not stated): ExAC 0.00001.
gnomAD v4.1: 2 of 1,613,448 alleles (0.00012%); highest among the groups gnomAD compares: South Asian, 0.0011%; no homozygotes.

Submission:

Labcorp Genetics (formerly Invitae), Labcorp
Classification: Uncertain significance for Joubert syndrome 21. Last evaluated: 2022-06-04. Review status: criteria provided, single submitter. Criteria: Invitae Variant Classification Sherloc (09022015). Collection method: clinical testing. Allele origin: germline.
Comment: This sequence change replaces leucine, which is neutral and non-polar, with valine, which is neutral and non-polar, at codon 2 of the CSPP1 protein (p.Leu2Val). This variant is present in population databases (rs773425466, gnomAD 0.003%). This variant has not been reported in the literature in individuals affected with CSPP1-related conditions. Algorithms developed to predict the effect of missense changes on protein structure and function output the following: SIFT: "Deleterious"; PolyPhen-2: "Possibly Damaging"; Align-GVGD: "Class C0". The valine amino acid residue is found in multiple mammalian species, which suggests that this missense change does not adversely affect protein function. In summary, the available evidence is currently insufficient to determine the role of this variant in disease. Therefore, it has been classified as a Variant of Uncertain Significance.